The following is an entry in ClinVar:

NM_001286611.2(REPS1):c.1426+3A>C

Gene: REPS1 (RALBP1 associated Eps domain containing 1; minus strand). Cytogenetic location: 6q24.1.
Variant type: single nucleotide variant.
Coding change: c.1426+3A>C on transcript NM_001286611.2 (MANE Select); 3 bases into the intron after coding-DNA position 1426, A replaced by C.
Molecular consequence: intron variant.
Genome position (GRCh38, 1-based): chr6:138,921,034, T>G on the plus strand (A>C on the coding strand, the complement: REPS1 is on the minus strand). VCF-style: chr6-138921034-T-G. GRCh37 (hg19) VCF-style: chr6-139242171-T-G.
Other names: c.1345+3A>C (NM_001286612.2, NM_001128617.3); c.1426+3A>C (NM_031922.5).
Identifiers: ClinVar variation 1350008 (VCV001350008.6), dbSNP rs1412761444, ClinGen allele CA570610567.

ClinVar aggregate classification (germline): Uncertain significance (1 of 4 stars; one submission).

Allele frequency attached by ClinVar (database versions not stated): gnomAD exomes below 0.00001.
gnomAD v4.1: 3 of 1,606,612 alleles (0.00019%); highest among the groups gnomAD compares: Non-Finnish European, 0.00026%; no homozygotes.

Submission:

Labcorp Genetics (formerly Invitae), Labcorp
Classification: Uncertain significance. Last evaluated: 2023-10-13. Review status: criteria provided, single submitter. Criteria: Invitae Variant Classification Sherloc (09022015). Collection method: clinical testing. Allele origin: germline.
Comment: This sequence change falls in intron 11 of the REPS1 gene. It does not directly change the encoded amino acid sequence of the REPS1 protein. It affects a nucleotide within the consensus splice site. This variant is present in population databases (no rsID available, gnomAD 0.0009%). This variant has not been reported in the literature in individuals affected with REPS1-related conditions. ClinVar contains an entry for this variant (Variation ID: 1350008). Variants that disrupt the consensus splice site are a relatively common cause of aberrant splicing (PMID: 17576681, 9536098). Algorithms developed to predict the effect of sequence changes on RNA splicing suggest that this variant may disrupt the consensus splice site. In summary, the available evidence is currently insufficient to determine the role of this variant in disease. Therefore, it has been classified as a Variant of Uncertain Significance.

Literature cited by the submitters: PubMed 17576681; PubMed 9536098.